The following is an entry in ClinVar:

ClinVar aggregate classification (germline): Benign/Likely benign. Review status: criteria provided, multiple submitters, no conflicts (2 of 4 stars). 2 submissions from 2 submitters: Benign (1); Likely benign (1). Last evaluated 2024-09-13.

Conditions:
Familial cancer of breast. Also called: BREAST CANCER, FAMILIAL; hereditary breast carcinoma; Hereditary breast cancer. Identifiers: Orphanet 227535, MedGen C0346153, MONDO:0016419, OMIM 114480. Disease mechanism: loss of function.

Submissions (2):

Women's Health and Genetics/Laboratory Corporation of America, LabCorp
Classification: Likely benign. Last evaluated: 2024-09-13. Review status: criteria provided, single submitter. Criteria: LabCorp Variant Classification Summary - May 2015. Collection method: clinical testing. Allele origin: germline.

Myriad Genetics, Inc.
Classification: Benign for Familial cancer of breast. Last evaluated: 2024-07-29. Review status: criteria provided, single submitter. Criteria: Myriad Autosomal Dominant, Autosomal Recessive and X-Linked Classification Criteria (2023). Collection method: clinical testing. Allele origin: unknown.
Comment: This variant is considered benign. This variant is a silent/synonymous amino acid change and it is not expected to impact splicing.

NM_000465.4(BARD1):c.2142T>A (p.Thr714=)

Gene: BARD1 (BRCA1 associated RING domain 1; minus strand). Cytogenetic location: 2q35.
Variant type: single nucleotide variant.
Coding change: c.2142T>A on transcript NM_000465.4 (MANE Select); coding-DNA position 2142, T replaced by A.
Protein change: p.Thr714=; no amino-acid change (threonine 714 retained).
Molecular consequence: synonymous variant. On other transcripts: non-coding transcript variant (3).
Genome position (GRCh38, 1-based): chr2:214,728,868, A>T on the plus strand (T>A on the coding strand, the complement: BARD1 is on the minus strand). VCF-style: chr2-214728868-A-T. GRCh37 (hg19) VCF-style: chr2-215593592-A-T.
Other names: c.2085T>A, p.Thr695= (NM_001282543.2); c.789T>A, p.Thr263= (NM_001282545.2); c.732T>A, p.Thr244= (NM_001282548.2); c.603T>A, p.Thr201= (NM_001282549.2).
Identifiers: ClinVar variation 3374843 (VCV003374843.2).